The following is an entry in ClinVar:

ClinVar aggregate classification (germline): Uncertain significance (1 of 4 stars; one submission).

Submission:

GeneDx
Classification: Uncertain significance. Last evaluated: 2025-03-10. Review status: criteria provided, single submitter. Criteria: GeneDx Variant Classification Process June 2021. Collection method: clinical testing. Allele origin: germline. Affected: yes.
Comment: Not observed at significant frequency in large population cohorts (gnomAD); In silico analysis indicates that this missense variant does not alter protein structure/function; Has not been previously published as pathogenic or benign to our knowledge

NM_022841.7(RFX7):c.2131G>C (p.Gly711Arg)

Gene: RFX7 (regulatory factor X7; minus strand). Cytogenetic location: 15q21.3.
Variant type: single nucleotide variant.
Coding change: c.2131G>C on transcript NM_022841.7 (MANE Select); coding-DNA position 2131, G replaced by C.
Protein change: p.Gly711Arg; replaces glycine 711 with arginine.
Molecular consequence: missense variant.
Genome position (GRCh38, 1-based): chr15:56,095,597, C>G on the plus strand (G>C on the coding strand, the complement: RFX7 is on the minus strand). VCF-style: chr15-56095597-C-G. GRCh37 (hg19) VCF-style: chr15-56387795-C-G.
Other names: c.1840G>C, p.Gly614Arg (NM_001368073.2, NM_001368074.1, NM_001370554.1); c.2131G>C, p.Gly711Arg (NM_001370561.1); short protein forms G614R, G711R.
Identifiers: ClinVar variation 4082848 (VCV004082848.1).